The following is an entry in ClinVar:

ClinVar aggregate classification (germline): Benign. Review status: criteria provided, multiple submitters, no conflicts (2 of 4 stars). 2 submissions from 2 submitters: Benign (2). Last evaluated 2017-04-27.

Conditions:
Loeys-Dietz syndrome 4 (LDS4). Also called: ANEURYSM, AORTIC AND CEREBRAL, WITH ARTERIAL TORTUOSITY AND SKELETAL MANIFESTATIONS; TGFB2-Related Loeys-Dietz Syndrome. Identifiers: MedGen C3553762, MONDO:0013897, OMIM 614816.

Allele frequency attached by ClinVar (database versions not stated): gnomAD 0.37523 and 0.37219; TOPMed 0.39455; 1000 Genomes Project 30x 0.46174; 1000 Genomes Project 0.46965.

Submissions (2):

Illumina Laboratory Services, Illumina
Classification: Benign for Loeys-Dietz syndrome 4. Last evaluated: 2017-04-27. Review status: criteria provided, single submitter. Criteria: ICSL Variant Classification Criteria 13 December 2019. Collection method: clinical testing. Allele origin: germline.
Comment: This variant was observed as part of a predisposition screen in an ostensibly healthy population. A literature search was performed for the gene, cDNA change, and amino acid change (where applicable). No publications were found based on this search. Allele frequency data from public databases was too high to be consistent with this variant causing disease. Therefore, this variant is classified as benign.

Breakthrough Genomics
Classification: Benign. Review status: criteria provided, single submitter. Criteria: ACMG Guidelines, 2015. Collection method: not provided. Allele origin: germline. Inheritance: Autosomal dominant inheritance. Affected: yes.

NM_003238.6(TGFB2):c.*2431C>G

Genes: TGFB2 (transforming growth factor beta 2; plus strand), TGFB2-OT1 (TGFB2 overlapping transcript 1; plus strand). Cytogenetic location: 1q41.
Variant type: single nucleotide variant.
Coding change: c.*2431C>G on transcript NM_003238.6 (MANE Select); 2431 bases downstream of the stop codon, C replaced by G.
Molecular consequence: 3 prime UTR variant. On other transcripts: non-coding transcript variant (3).
Genome position (GRCh38, 1-based): chr1:218,443,793, C>G. VCF-style: chr1-218443793-C-G. GRCh37 (hg19) VCF-style: chr1-218617135-C-G.
Other names: c.*2431C>G (NM_001135599.4).
Identifiers: ClinVar variation 295532 (VCV000295532.6), dbSNP rs1046017, ClinGen allele CA10609228.
Genomic context (GRCh38, chr1:218,443,793, plus strand): 5'-GTTCTGTAAGGTCTTTATTTCCCATAAGTAAATATTGCCATGGGAGGGGGGTGGAGGTGG[C>G]AAGGAAGGGGTGAAGTGCTAGTATGCAAGTGGGCAGCAATTATTTTTGTGTTAATCAGCA-3'